The following is an entry in ClinVar:

NM_014714.4(IFT140):c.561G>T (p.Lys187Asn)

Genes: IFT140 (intraflagellar transport 140; minus strand), LOC105371046 (uncharacterized LOC105371046; plus strand). Cytogenetic location: 16p13.3.
Variant type: single nucleotide variant.
Coding change: c.561G>T on transcript NM_014714.4 (MANE Select); coding-DNA position 561, G replaced by T.
Protein change: p.Lys187Asn; replaces lysine 187 with asparagine.
Molecular consequence: missense variant.
Genome position (GRCh38, 1-based): chr16:1,592,249, C>A on the plus strand (G>T on the coding strand, the complement: IFT140 is on the minus strand). VCF-style: chr16-1592249-C-A. GRCh37 (hg19) VCF-style: chr16-1642250-C-A.
Other names: c.561G>T (NM_014714.3); short protein forms K187N.
Identifiers: ClinVar variation 1041134 (VCV001041134.14), dbSNP rs139286030, ClinGen allele CA7814658.

ClinVar aggregate classification (germline): Conflicting classifications of pathogenicity. Review status: criteria provided, conflicting classifications (1 of 4 stars). 5 submissions from 5 submitters: Uncertain significance (2); Likely benign (2). 1 of the submissions does not count toward it. Last evaluated 2025-03-20.

Conditions:
IFT140-related disorder. Also called: IFT140-related condition.
Retinitis pigmentosa 80 (RP80). Identifiers: MedGen C4540439, MONDO:0054708, OMIM 617781.
Saldino-Mainzer syndrome (SRTD9). Also called: Renal dysplasia, retinal pigmentary dystrophy, cerebellar ataxia and skeletal dysplasia; SHORT-RIB THORACIC DYSPLASIA 9 WITHOUT POLYDACTYLY; CONORENAL SYNDROME; short-rib thoracic dysplasia 9 with or without polydactyly. Identifiers: Orphanet 140969, MedGen C1849437, MONDO:0009964, OMIM 266920.
Inborn genetic diseases. Identifiers: MedGen C0950123, MeSH D030342.

Allele frequency attached by ClinVar (database versions not stated): gnomAD exomes 0.00001 and 0.00005; ExAC 0.00008; gnomAD 0.00019 and 0.00021; 1000 Genomes Project 0.00020; TOPMed 0.00022; 1000 Genomes Project 30x 0.00031; ESP Exome Variant Server 0.00031.
gnomAD v4.1: 46 of 1,614,216 alleles (0.0028%); highest among the groups gnomAD compares: African/African-American, 0.052%; no homozygotes.

Submissions (5):

Labcorp Genetics (formerly Invitae), Labcorp
Classification: Likely benign for Saldino-Mainzer syndrome. Last evaluated: 2025-03-20. Review status: criteria provided, single submitter. Criteria: Invitae Variant Classification Sherloc (09022015). Collection method: clinical testing. Allele origin: germline.

Ambry Genetics
Classification: Uncertain significance for Inborn genetic diseases. Last evaluated: 2025-02-10. Review status: criteria provided, single submitter. Criteria: Ambry Variant Classification Scheme 2023. Collection method: clinical testing. Allele origin: germline.

Blueprint Genetics
Classification: Uncertain significance. Last evaluated: 2024-07-19. Review status: criteria provided, single submitter. Criteria: ACMG Guidelines, 2015. Collection method: clinical testing. Allele origin: germline.

Fulgent Genetics
Classification: Likely benign for Saldino-Mainzer syndrome; Retinitis pigmentosa 80. Last evaluated: 2024-02-12. Review status: criteria provided, single submitter. Criteria: ACMG Guidelines, 2015. Collection method: clinical testing. Allele origin: germline.

PreventionGenetics, part of Exact Sciences
Classification: Uncertain significance for IFT140-related condition. Last evaluated: 2024-09-05. Review status: no assertion criteria provided. Collection method: clinical testing. Allele origin: germline. Not counted in ClinVar's aggregate classification.
Comment: The IFT140 c.561G>T variant is predicted to result in the amino acid substitution p.Lys187Asn. To our knowledge, this variant has not been reported in the literature. This variant is reported in 0.068% of alleles in individuals of African descent in gnomAD, which may be too common to be an unreported cause of disease. Although we suspect that this variant may be benign, at this time, the clinical significance of this variant is uncertain due to the absence of conclusive functional and genetic evidence.